The following is an entry in ClinVar:

NM_020944.3(GBA2):c.1680T>G (p.Tyr560Ter)

Gene: GBA2 (glucosylceramidase beta 2; minus strand). Cytogenetic location: 9p13.3.
Variant type: single nucleotide variant.
Coding change: c.1680T>G on transcript NM_020944.3 (MANE Select); coding-DNA position 1680, T replaced by G.
Protein change: p.Tyr560Ter; replaces tyrosine 560 with a stop codon.
Molecular consequence: nonsense.
Genome position (GRCh38, 1-based): chr9:35,739,322, A>C on the plus strand (T>G on the coding strand, the complement: GBA2 is on the minus strand). VCF-style: chr9-35739322-A-C. GRCh37 (hg19) VCF-style: chr9-35739319-A-C.
Other names: c.1680T>G, p.Tyr560Ter (NM_001330660.2); short protein forms Y560*.
Identifiers: ClinVar variation 2833690 (VCV002833690.3), dbSNP rs1172818341, ClinGen allele CA373410998.
Genomic context (GRCh38, chr9:35,739,322, plus strand): 5'-TTCGGGGGTATGGGGAGCCAAGAGGGCAGAAGCGGCACAAAAGGGATCCTCACCCATGTC[A>C]TACTGTAGGCTGAGCTCAAGTTTGGGCCAGAGCATGATGAGGGCAAAGGAAGCATAAAAG-3'

ClinVar aggregate classification (germline): Pathogenic (1 of 4 stars; one submission).

Conditions:
Spastic paraplegia. Identifiers: MedGen C0037772, HP:0001258.

Submission:

Labcorp Genetics (formerly Invitae), Labcorp
Classification: Pathogenic for Spastic paraplegia. Last evaluated: 2023-02-01. Review status: criteria provided, single submitter. Criteria: Invitae Variant Classification Sherloc (09022015). Collection method: clinical testing. Allele origin: germline.
Comment: For these reasons, this variant has been classified as Pathogenic. This variant has not been reported in the literature in individuals affected with GBA2-related conditions. This variant is not present in population databases (gnomAD no frequency). This sequence change creates a premature translational stop signal (p.Tyr560*) in the GBA2 gene. It is expected to result in an absent or disrupted protein product. Loss-of-function variants in GBA2 are known to be pathogenic (PMID: 23332916, 23332917).

Literature cited by the submitters: PubMed 23332916; PubMed 23332917.